The following is an entry in ClinVar:

ClinVar aggregate classification (germline): Benign/Likely benign. Review status: criteria provided, multiple submitters, no conflicts (2 of 4 stars). 9 submissions from 9 submitters: Benign (4); Likely benign (3). 2 of the submissions do not count toward it. Last evaluated 2026-02-03.

Conditions:
Cardiovascular phenotype. Identifiers: MedGen CN230736.
Atrioventricular septal defect 4 (AVSD4). Identifiers: MedGen C3280781, MONDO:0013747, OMIM 614430.

Allele frequency attached by ClinVar (database versions not stated): 1000 Genomes Project 30x 0.00125; 1000 Genomes Project 0.00140; TOPMed 0.00214; ESP Exome Variant Server 0.00238; ExAC 0.00325.
gnomAD v4.1: 4,531 of 1,614,200 alleles (0.28%); highest among the groups gnomAD compares: Middle Eastern, 0.28%; 22 homozygotes.

Submissions (10):

Labcorp Genetics (formerly Invitae), Labcorp
Classification: Benign for Atrioventricular septal defect 4. Last evaluated: 2026-02-03. Review status: criteria provided, single submitter. Criteria: Invitae Variant Classification Sherloc (09022015). Collection method: clinical testing. Allele origin: germline.

CeGaT Center for Human Genetics Tuebingen
Classification: Likely benign. Last evaluated: 2025-09-01. Review status: criteria provided, single submitter. Criteria: CeGaT Center For Human Genetics Tuebingen Variant Classification Criteria Version 2. Collection method: clinical testing. Allele origin: germline. Affected: yes. Observed: 9 variant alleles.
Comment: GATA4: BP4, BP7, BS2

ARUP Laboratories, Molecular Genetics and Genomics, ARUP Laboratories
Classification: Benign. Last evaluated: 2025-07-22. Review status: criteria provided, single submitter. Criteria: ARUP Molecular Germline Variant Investigation Process 2024. Collection method: clinical testing. Allele origin: germline.

GeneDx
Classification: Likely benign. Last evaluated: 2020-12-02. Review status: criteria provided, single submitter. Criteria: GeneDx Variant Classification Process June 2021. Collection method: clinical testing. Allele origin: germline. Affected: yes.

Genetic Services Laboratory, University of Chicago
Classification: Benign. Last evaluated: 2018-04-09. Review status: criteria provided, single submitter. Criteria: ACMG Guidelines, 2015. Collection method: clinical testing. Allele origin: germline. Affected: no.

Ambry Genetics
Classification: Benign for Cardiovascular phenotype. Last evaluated: 2015-11-18. Review status: criteria provided, single submitter. Criteria: Ambry Variant Classification Scheme 2023. Collection method: clinical testing. Allele origin: germline.

Laboratory for Molecular Medicine, Mass General Brigham Personalized Medicine
Classification: Likely benign. Last evaluated: 2011-08-23. Review status: criteria provided, single submitter. Criteria: LMM Criteria. Collection method: clinical testing. Allele origin: germline. Observed: 1 variant allele.
Comment: Thr233Thr in exon 3 of GATA4: This variant is not expected to have clinical sign ificance because it does not alter an amino acid residue and is not located near a splice junction. It has been identified in 6 individuals with congenital hear t defects and in 1 of 518 control chromosomes (Schluterman 2007, Reamon-Buettner 2007, Tomita-Mitchell 2007, Butler 2010). It has also been reported in dbSNP wi th a similar allele frequency (rs55788387, MAF=0.002).

Clinical Genetics DNA and cytogenetics Diagnostics Lab, Erasmus MC, Erasmus Medical Center
Classification: Likely benign. Review status: no assertion criteria provided. Collection method: clinical testing. Allele origin: germline. Affected: yes. Study: VKGL Data-share Consensus. Not counted in ClinVar's aggregate classification.

Dr. Peter K. Rogan Lab, Western University
No classification provided (evidence only). Condition: Gastric cancer. Review status: no classification provided. Collection method: in vitro. Allele origin: not applicable. Functional consequence: retained intron. Not counted in ClinVar's aggregate classification.

Laboratory of Diagnostic Genome Analysis, Leiden University Medical Center (LUMC)
Classification: Likely benign. Review status: no assertion criteria provided. Collection method: clinical testing. Allele origin: germline. Affected: yes. Study: VKGL Data-share Consensus. Not counted in ClinVar's aggregate classification.

Literature cited by the submitters: PubMed 20874241 (cited by Laboratory for Molecular Medicine, Mass General Brigham Personalized Medicine); PubMed 17592645 (cited by Laboratory for Molecular Medicine, Mass General Brigham Personalized Medicine); PubMed 17352393 (cited by Laboratory for Molecular Medicine, Mass General Brigham Personalized Medicine); PubMed 18055909 (cited by Laboratory for Molecular Medicine, Mass General Brigham Personalized Medicine); PubMed 12939651 (cited by Laboratory for Molecular Medicine, Mass General Brigham Personalized Medicine).

NM_001308093.3(GATA4):c.702G>A (p.Thr234=)

Gene: GATA4 (GATA binding protein 4). Cytogenetic location: 8p23.1.
Variant type: single nucleotide variant.
Coding change: c.702G>A on transcript NM_001308093.3 (MANE Select); coding-DNA position 702, G replaced by A.
Protein change: p.Thr234=; no amino-acid change (threonine 234 retained).
Molecular consequence: synonymous variant.
Genome position (GRCh38, 1-based): chr8:11,749,001, G>A. VCF-style: chr8-11749001-G-A. GRCh37 (hg19) VCF-style: chr8-11606510-G-A.
Other names: c.81G>A, p.Thr27= (NM_001308094.2, NM_001374273.1, NM_001374274.1); c.699G>A, p.Thr233= (NM_002052.5).
Identifiers: ClinVar variation 44335 (VCV000044335.54), dbSNP rs55788387, ClinGen allele CA133995.
Genomic context (GRCh38, chr8:11,749,001, plus strand): 5'-AGGCAGAGAGTGTGTCAACTGTGGGGCTATGTCCACCCCGCTCTGGAGGCGAGATGGGAC[G>A]GGTCACTATCTGTGCAACGCCTGCGGCCTCTACCACAAGATGAACGGCATCAACCGGCCG-3'
Protein context (NP_001295022.1, residues 224-244): MSTPLWRRDG[Thr234=]GHYLCNACGL